The following is an entry in ClinVar:

ClinVar aggregate classification (germline): Uncertain significance (1 of 4 stars; one submission).

Conditions:
Charcot-Marie-Tooth disease type 4A. Also called: Charcot-Marie-Tooth disease, demyelinating, autosomal recessive, type 4a. Identifiers: Orphanet 99948, MedGen C1859198, MONDO:0008961, OMIM 214400.

Allele frequency attached by ClinVar (database versions not stated): gnomAD exomes below 0.00001; ExAC 0.00001.
gnomAD v4.1: 12 of 1,614,034 alleles (0.00074%); highest among the groups gnomAD compares: South Asian, 0.0011%; no homozygotes.

Submission:

Labcorp Genetics (formerly Invitae), Labcorp
Classification: Uncertain significance for Charcot-Marie-Tooth disease type 4A. Last evaluated: 2021-05-04. Review status: criteria provided, single submitter. Criteria: Invitae Variant Classification Sherloc (09022015). Collection method: clinical testing. Allele origin: germline.
Comment: This variant is present in population databases (rs775559344, ExAC 0.002%). This sequence change replaces isoleucine with valine at codon 348 of the GDAP1 protein (p.Ile348Val). The isoleucine residue is moderately conserved and there is a small physicochemical difference between isoleucine and valine. This variant has not been reported in the literature in individuals with GDAP1-related conditions. In summary, the available evidence is currently insufficient to determine the role of this variant in disease. Therefore, it has been classified as a Variant of Uncertain Significance. Algorithms developed to predict the effect of sequence changes on RNA splicing suggest that this variant may create or strengthen a splice site, but this prediction has not been confirmed by published transcriptional studies. Advanced modeling of protein sequence and biophysical properties (such as structural, functional, and spatial information, amino acid conservation, physicochemical variation, residue mobility, and thermodynamic stability) performed at Invitae indicates that this missense variant is not expected to disrupt GDAP1 protein function.

NM_018972.4(GDAP1):c.1042A>G (p.Ile348Val)

Gene: GDAP1 (ganglioside induced differentiation associated protein 1; plus strand). Cytogenetic location: 8q21.11.
Variant type: single nucleotide variant.
Coding change: c.1042A>G on transcript NM_018972.4 (MANE Select); coding-DNA position 1042, A replaced by G.
Protein change: p.Ile348Val; replaces isoleucine 348 with valine.
Molecular consequence: missense variant. On other transcripts: intron variant (1).
Genome position (GRCh38, 1-based): chr8:74,364,332, A>G. VCF-style: chr8-74364332-A-G. GRCh37 (hg19) VCF-style: chr8-75276567-A-G.
Other names: c.838A>G, p.Ile280Val (NM_001040875.4); c.715A>G, p.Ile239Val (NM_001362929.2, NM_001362932.2); c.868A>G, p.Ile290Val (NM_001362930.2); c.694+1279A>G (NM_001362931.2); short protein forms I239V, I290V, I348V, I280V.
Identifiers: ClinVar variation 1516374 (VCV001516374.8), dbSNP rs775559344, ClinGen allele CA4785230.